The following is an entry in ClinVar:

NM_000179.3(MSH6):c.3889dup (p.Ser1297fs)

Gene: MSH6 (mutS homolog 6; plus strand). Cytogenetic location: 2p16.3.
Variant type: Duplication.
Coding change: c.3889dup on transcript NM_000179.3 (MANE Select); coding-DNA position 3889, one base duplicated (A; older notation c.3889dupA).
Protein change: p.Ser1297fs; shifts the reading frame from serine 1297.
Molecular consequence: frameshift variant.
Genome position (GRCh38, 1-based): chr2:47,806,539, A duplicated; the last of 4 consecutive A bases (chr2:47,806,536-47,806,539); duplicating any one gives the same sequence. VCF-style (leftmost placement, unchanged base first): chr2-47806535-T-TA. GRCh37 (hg19) VCF-style: chr2-48033674-T-TA.
Other names: c.3499dup, p.Ser1167fs (NM_001281492.2); c.2983dup, p.Ser995fs (NM_001281493.2, NM_001281494.2); short protein forms S1167fs, S1297fs, S995fs.
Identifiers: ClinVar variation 1330023 (VCV001330023.2), dbSNP rs2104558375, ClinGen allele CA2573051976.

ClinVar aggregate classification (germline): Pathogenic. Review status: criteria provided, multiple submitters, no conflicts (2 of 4 stars). 2 submissions from 2 submitters: Pathogenic (2). Last evaluated 2023-09-05.

Conditions:
Lynch syndrome 5 (LYNCH5). Also called: Colorectal cancer, hereditary nonpolyposis, type 5; Hereditary non-polyposis colorectal cancer, type 5. Identifiers: Orphanet 144, MedGen C1833477, MONDO:0013710, OMIM 614350. Disease mechanism: loss of function.

Submissions (2):

Myriad Genetics, Inc.
Classification: Pathogenic for Lynch syndrome 5. Last evaluated: 2023-09-05. Review status: criteria provided, single submitter. Criteria: Myriad Autosomal Dominant, Autosomal Recessive and X-Linked Classification Criteria (2023). Collection method: clinical testing. Allele origin: unknown.
Comment: This variant is considered pathogenic. This variant creates a frameshift predicted to result in premature protein truncation.

Quest Diagnostics Nichols Institute San Juan Capistrano
Classification: Pathogenic. Last evaluated: 2020-11-11. Review status: criteria provided, single submitter. Criteria: Quest Diagnostics criteria. Collection method: clinical testing. Allele origin: unknown.
Comment: This frameshift variant alters the translational reading frame of the MSH6 mRNA and causes the premature termination of MSH6 protein synthesis. To the best of our knowledge, the variant has not been reported in the published literature. This variant has not been reported in large, multi-ethnic general populations. Based on the available information, the variant is classified as pathogenic.